The following is an entry in ClinVar:

ClinVar aggregate classification (germline): Likely pathogenic (1 of 4 stars; one submission).

Submission:

GeneDx
Classification: Likely pathogenic. Last evaluated: 2022-06-22. Review status: criteria provided, single submitter. Criteria: GeneDx Variant Classification Process June 2021. Collection method: clinical testing. Allele origin: germline. Affected: yes.
Comment: Not observed at significant frequency in large population cohorts (gnomAD); In silico analysis supports that this missense variant does not alter protein structure/function; Has not been previously published as pathogenic or benign to our knowledge

NM_001134673.4(NFIA):c.844G>C (p.Glu282Gln)

Gene: NFIA (nuclear factor I A; plus strand). Cytogenetic location: 1p31.3.
Variant type: single nucleotide variant.
Coding change: c.844G>C on transcript NM_001134673.4 (MANE Select); coding-DNA position 844, G replaced by C.
Protein change: p.Glu282Gln; replaces glutamic acid 282 with glutamine.
Molecular consequence: missense variant.
Genome position (GRCh38, 1-based): chr1:61,359,172, G>C. VCF-style: chr1-61359172-G-C. GRCh37 (hg19) VCF-style: chr1-61824844-G-C.
Other names: c.820G>C, p.Glu274Gln (NM_001145511.2); c.979G>C, p.Glu327Gln (NM_001145512.2); c.844G>C, p.Glu282Gln (NM_005595.5); short protein forms E274Q, E282Q, E327Q.
Identifiers: ClinVar variation 1806745 (VCV001806745.1), dbSNP rs2525136947, ClinGen allele CA340588054.
Genomic context (GRCh38, chr1:61,359,172, plus strand): 5'-ATTGCTTTTAAACATGCACCCATTTGTTATTTCAGCTCCACAAAGCGCCTCAAGTCTGTG[G>C]AGGATGAAATGGACAGTCCTGGTGAGGAGCCATTTTATACAGGCCAAGGGCGCTCCCCAG-3'
Protein context (NP_001128145.1, residues 272-292): TSSTKRLKSV[Glu282Gln]DEMDSPGEEP